The following is an entry in ClinVar:

ClinVar aggregate classification (germline): Pathogenic. Review status: criteria provided, multiple submitters, no conflicts (2 of 4 stars). 2 submissions from 2 submitters: Pathogenic (2). Last evaluated 2025-03-26.

Conditions:
Familial adenomatous polyposis 1 (FAP1). Also called: FAMILIAL ADENOMATOUS POLYPOSIS 1, ATTENUATED; POLYPOSIS, ADENOMATOUS INTESTINAL. Identifiers: MedGen C2713442, MONDO:0021056, OMIM 175100. Disease mechanism: loss of function.

Submissions (2):

Labcorp Genetics (formerly Invitae), Labcorp
Classification: Pathogenic for Familial adenomatous polyposis 1. Last evaluated: 2025-03-26. Review status: criteria provided, single submitter. Criteria: Invitae Variant Classification Sherloc (09022015). Collection method: clinical testing. Allele origin: germline.
Comment: This sequence change creates a premature translational stop signal (p.Ser2247Leufs*32) in the APC gene. While this is not anticipated to result in nonsense mediated decay, it is expected to disrupt the last 597 amino acid(s) of the APC protein. This variant is present in population databases (no rsID available, gnomAD 0.003%). This variant has not been reported in the literature in individuals affected with APC-related conditions. ClinVar contains an entry for this variant (Variation ID: 2813239). This variant is expected to disrupt the EB1 and HDLG binding sites, which mediate interactions with the cytoskeleton (PMID: 15311282, 17293347). While functional studies have not been performed to directly test the effect on APC protein function, this suggests that disruption of the C-terminal portion of the protein is functionally important. A different truncation (p.Tyr2645Lysfs*14) that lies downstream of this variant has been determined to be pathogenic (PMID: 9824584, 1316610, 27081525, 8381579, 22135120, internal data). This suggests that deletion of this region of the APC protein is causative of disease. For these reasons, this variant has been classified as Pathogenic.

Myriad Genetics, Inc.
Classification: Pathogenic for Familial adenomatous polyposis 1. Last evaluated: 2024-12-03. Review status: criteria provided, single submitter. Criteria: Myriad Autosomal Dominant, Autosomal Recessive and X-Linked Classification Criteria (2023). Collection method: clinical testing. Allele origin: unknown.
Comment: This variant is considered pathogenic. This variant creates a frameshift predicted to result in premature protein truncation.

Literature cited by the submitters: PubMed 15311282 (cited by Labcorp Genetics (formerly Invitae), Labcorp); PubMed 17293347 (cited by Labcorp Genetics (formerly Invitae), Labcorp); PubMed 9824584 (cited by Labcorp Genetics (formerly Invitae), Labcorp); PubMed 1316610 (cited by Labcorp Genetics (formerly Invitae), Labcorp); PubMed 27081525 (cited by Labcorp Genetics (formerly Invitae), Labcorp); PubMed 8381579 (cited by Labcorp Genetics (formerly Invitae), Labcorp); PubMed 22135120 (cited by Labcorp Genetics (formerly Invitae), Labcorp).

NM_000038.6(APC):c.6739del (p.Ser2247fs)

Gene: APC (APC regulator of Wnt signaling pathway; plus strand). Cytogenetic location: 5q22.2.
Variant type: Deletion.
Coding change: c.6739del on transcript NM_000038.6 (MANE Select); coding-DNA position 6739, one base deleted (T; older notation c.6739delT).
Protein change: p.Ser2247fs; shifts the reading frame from serine 2247.
Molecular consequence: frameshift variant. On other transcripts: non-coding transcript variant (2).
Genome position (GRCh38, 1-based): chr5:112,842,333, T deleted; the last of 3 consecutive T bases (chr5:112,842,331-112,842,333); deleting any one gives the same sequence. VCF-style (leftmost placement, unchanged base first): chr5-112842330-GT-G. GRCh37 (hg19) VCF-style: chr5-112178027-GT-G.
Other names: c.6739del, p.Ser2247fs (NM_001127510.3, NM_001354895.2, NM_001407450.1); c.6685del, p.Ser2229fs (NM_001127511.3); c.6793del, p.Ser2265fs (NM_001354896.2, NM_001407447.1, NM_001407448.1 and 1 more transcripts); c.6769del, p.Ser2257fs (NM_001354897.2); c.6664del, p.Ser2222fs (NM_001354898.2); c.6655del, p.Ser2219fs (NM_001354899.2); c.6616del, p.Ser2206fs (NM_001354900.2); c.6562del, p.Ser2188fs (NM_001354901.2, NM_001407453.1); and 11 more; short protein forms S2087fs, S2118fs, S2146fs, S2188fs, S2206fs, S2240fs, S2257fs, S2265fs.
Identifiers: ClinVar variation 2813239 (VCV002813239.4), dbSNP rs1561609708, ClinGen allele CA562217617.